The following is an entry in ClinVar:

ClinVar aggregate classification (germline): Benign/Likely benign. Review status: criteria provided, multiple submitters, no conflicts (2 of 4 stars). 3 submissions from 3 submitters: Benign (1); Likely benign (2). Last evaluated 2025-01-29.

Conditions:
Lynch syndrome 4 (LYNCH4). Also called: Colorectal cancer, hereditary nonpolyposis, type 4; Hereditary non-polyposis colorectal cancer, type 4. Identifiers: Orphanet 144, MedGen C1838333, MONDO:0013699, OMIM 614337. Disease mechanism: loss of function.
Hereditary nonpolyposis colorectal neoplasms. Identifiers: MedGen C0009405, MeSH D003123.
Hereditary cancer-predisposing syndrome. Also called: Hereditary Cancer Syndrome; Neoplastic Syndromes, Hereditary; Tumor predisposition; Hereditary neoplastic syndrome. Identifiers: Orphanet 140162, MedGen C0027672, MeSH D009386, MONDO:0015356.

Allele frequency attached by ClinVar (database versions not stated): gnomAD exomes below 0.00001.

Submissions (3):

Myriad Genetics, Inc.
Classification: Benign for Lynch syndrome 4. Last evaluated: 2025-01-29. Review status: criteria provided, single submitter. Criteria: Myriad Autosomal Dominant, Autosomal Recessive and X-Linked Classification Criteria (2023). Collection method: clinical testing. Allele origin: unknown.
Comment: This variant is considered benign. This variant is a silent/synonymous amino acid change and it is not expected to impact splicing.

Labcorp Genetics (formerly Invitae), Labcorp
Classification: Likely benign for Hereditary nonpolyposis colorectal neoplasms. Last evaluated: 2025-01-14. Review status: criteria provided, single submitter. Criteria: Invitae Variant Classification Sherloc (09022015). Collection method: clinical testing. Allele origin: germline.

Ambry Genetics
Classification: Likely benign for Hereditary cancer-predisposing syndrome. Last evaluated: 2017-05-03. Review status: criteria provided, single submitter. Criteria: Ambry Variant Classification Scheme 2023. Collection method: clinical testing. Allele origin: germline.

NM_000535.7(PMS2):c.1110A>G (p.Leu370=)

Gene: PMS2 (PMS1 homolog 2, mismatch repair system component; minus strand). Cytogenetic location: 7p22.1.
Variant type: single nucleotide variant.
Coding change: c.1110A>G on transcript NM_000535.7 (MANE Select); coding-DNA position 1110, A replaced by G.
Protein change: p.Leu370=; no amino-acid change (leucine 370 retained).
Molecular consequence: synonymous variant. On other transcripts: non-coding transcript variant (1), intron variant (2).
Genome position (GRCh38, 1-based): chr7:5,989,834, T>C on the plus strand (A>G on the coding strand, the complement: PMS2 is on the minus strand). VCF-style: chr7-5989834-T-C. GRCh37 (hg19) VCF-style: chr7-6029465-T-C.
Other names: c.537A>G, p.Leu179= (NM_001322013.2); c.1110A>G, p.Leu370= (NM_001322014.2); c.988+2139A>G (NM_001322006.2); c.801A>G, p.Leu267= (NM_001322015.2); c.583+2139A>G (NM_001322010.2); c.705A>G, p.Leu235= (NM_001322003.2, NM_001322004.2, NM_001322005.2 and 1 more transcripts); c.792A>G, p.Leu264= (NM_001322007.2, NM_001322008.2); c.177A>G, p.Leu59= (NM_001322011.2, NM_001322012.2).
Identifiers: ClinVar variation 480371 (VCV000480371.17), dbSNP rs1554298681, ClinGen allele CA453644089.
Genomic context (GRCh38, chr7:5,989,834, plus strand): 5'-CTGTTTGTACACTGTATTTTTCTTACCTTCAACATCCAGCAGTGGCTGCTGACTGACATT[T>C]AGCTTGTTGACATCACTATCAAACATTCCTATCAAAGAGGTCTTTAAAACTGCCAACAAA-3'
Protein context (NP_000526.2, residues 360-380): IGMFDSDVNK[Leu370=]NVSQQPLLDV